The following is an entry in ClinVar:

NM_001277115.2(DNAH11):c.6733C>T (p.Gln2245Ter)

Gene: DNAH11 (dynein axonemal heavy chain 11; plus strand). Cytogenetic location: 7p15.3.
Variant type: single nucleotide variant.
Coding change: c.6733C>T on transcript NM_001277115.2 (MANE Select); coding-DNA position 6733, C replaced by T.
Protein change: p.Gln2245Ter; replaces glutamine 2245 with a stop codon.
Molecular consequence: nonsense.
Genome position (GRCh38, 1-based): chr7:21,710,602, C>T. VCF-style: chr7-21710602-C-T. GRCh37 (hg19) VCF-style: chr7-21750220-C-T.
Other names: c.6754C>T, p.Gln2252Ter (NM_003777.3); short protein forms Q2245*, Q2252*.
Identifiers: ClinVar variation 2724682 (VCV002724682.3), dbSNP rs767078773, ClinGen allele CA4180971.

ClinVar aggregate classification (germline): Pathogenic (1 of 4 stars; one submission).

Conditions:
Primary ciliary dyskinesia. Also called: Ciliary dyskinesia. Identifiers: Orphanet 244, MedGen C0008780, MONDO:0016575, HP:0012265.

Allele frequency attached by ClinVar (database versions not stated): ExAC 0.00001.
gnomAD v4.1: 2 of 1,612,992 alleles (0.00012%); highest among the groups gnomAD compares: South Asian, 0.0011%; no homozygotes.

Submission:

Labcorp Genetics (formerly Invitae), Labcorp
Classification: Pathogenic for Primary ciliary dyskinesia. Last evaluated: 2023-08-07. Review status: criteria provided, single submitter. Criteria: Invitae Variant Classification Sherloc (09022015). Collection method: clinical testing. Allele origin: germline.
Comment: This variant is present in population databases (rs767078773, gnomAD 0.003%). This variant has not been reported in the literature in individuals affected with DNAH11-related conditions. For these reasons, this variant has been classified as Pathogenic. This sequence change creates a premature translational stop signal (p.Gln2245*) in the DNAH11 gene. It is expected to result in an absent or disrupted protein product. Loss-of-function variants in DNAH11 are known to be pathogenic (PMID: 18022865, 20513915, 22184204).

Literature cited by the submitters: PubMed 18022865; PubMed 20513915; PubMed 22184204.